The following continues an entry in ClinVar:

NM_001034853.2(RPGR):c.2236_2237del (p.Glu746fs)

Gene: RPGR. ClinVar aggregate classification (germline): Pathogenic. Pathogenic (1).

Submissions 13 to 19 of 19:

Blueprint Genetics
Classification: Pathogenic for Retinal dystrophy. Last evaluated: 2019-08-07. Review status: criteria provided, single submitter. Criteria: Blueprint Genetics Variant Classification Scheme. Collection method: clinical testing. Allele origin: germline. Affected: yes. Not counted in ClinVar's aggregate classification.

Centre for Mendelian Genomics, University Medical Centre Ljubljana
Classification: Pathogenic for Retinitis pigmentosa 3. Last evaluated: 2019-01-26. Review status: criteria provided, single submitter. Criteria: ACMG Guidelines, 2015. Collection method: clinical testing. Allele origin: unknown. Affected: yes. Not counted in ClinVar's aggregate classification.
Comment: This variant was classified as: Pathogenic. The following ACMG criteria were applied in classifying this variant: PVS1,PP5. This variant was detected in hemizygous state.

Juno Genomics, Hangzhou Juno Genomics, Inc
Classification: Pathogenic for X-linked cone-rod dystrophy 1; Macular degeneration, X-linked atrophic; Retinitis pigmentosa 3; Retinitis pigmentosa, X-linked, and sinorespiratory infections, with or without deafness. Review status: criteria provided, single submitter. Criteria: ACMG Guidelines, 2015. Collection method: clinical testing. Allele origin: germline. Affected: yes. Not counted in ClinVar's aggregate classification.
Comment: Null variant in a gene where loss of function (LOF) is a known mechanism of disease.;Absent from controls (or at extremely low frequency if recessive) in Genome Aggregation Database, Exome Sequencing Project, 1000 Genomes Project, or Exome Aggregation Consortium.;The prevalence of the variant in affected individuals is significantly increased compared to the prevalence in controls.;Patient's phenotype or family history is highly specific for a disease with a single genetic etiology.

PreventionGenetics, part of Exact Sciences
Classification: Pathogenic for RPGR-related condition. Last evaluated: 2024-09-09. Review status: no assertion criteria provided. Collection method: clinical testing. Allele origin: germline. Not counted in ClinVar's aggregate classification.
Comment: The RPGR c.2236_2237delGA variant is predicted to result in a frameshift and premature protein termination (p.Glu746Argfs*23). This variant can also be denoted as g.ORF15+483_484del. This variant has been reported several times in patients with X-linked retinitis pigmentosa (Vervoort et al. 2000. PubMed ID: 10932196; Branham et al. 2012. PubMed ID: 23150612; Table S2, Carss et al. 2016. PubMed ID: 28041643; Maggi et al. 2020. PubMed ID: 32679846). This variant has not been reported in the large population database gnomAD, indicating this variant is rare. This variant has been interpreted as pathogenic by multiple independent submitters to the ClinVar database, and frameshift variants in RPGR are an established mechanism of disease. Given all the evidence, we interpret this variant as pathogenic.

Joint Genome Diagnostic Labs from Nijmegen and Maastricht, Radboudumc and MUMC+
Classification: Pathogenic for Retinitis pigmentosa 3. Last evaluated: 2016-09-01. Review status: no assertion criteria provided. Collection method: clinical testing. Allele origin: unknown. Affected: yes. Observed: 1 variant allele. Not counted in ClinVar's aggregate classification.

NIHR Bioresource Rare Diseases, University of Cambridge
Classification: Pathogenic for Retinitis pigmentosa. Last evaluated: 2015-01-01. Review status: no assertion criteria provided. Collection method: research. Allele origin: unknown. Affected: yes. Observed: 1 variant allele. Not counted in ClinVar's aggregate classification.

Blueprint Genetics
Classification: Pathogenic for Retinitis pigmentosa 3. Review status: no assertion criteria provided. Collection method: clinical testing. Allele origin: germline. Affected: yes. Not counted in ClinVar's aggregate classification.

Literature cited by the submitters: PubMed 10932196 (cited by 4 submitters); PubMed 20021257 (cited by Labcorp Genetics (formerly Invitae), Labcorp and Institute of Human Genetics, Univ. Regensburg, Univ. Regensburg); PubMed 22264887 (cited by Labcorp Genetics (formerly Invitae), Labcorp); PubMed 16086276 (cited by Institute of Human Genetics, Univ. Regensburg, Univ. Regensburg); PubMed 28863407 (cited by Institute of Human Genetics, Univ. Regensburg, Univ. Regensburg); PubMed 29099798 (cited by Institute of Human Genetics, Univ. Regensburg, Univ. Regensburg); PubMed 28512305 (cited by Institute of Human Genetics, Univ. Regensburg, Univ. Regensburg); PubMed 31213501 (cited by Institute of Human Genetics, Univ. Regensburg, Univ. Regensburg); PubMed 31106028 (cited by Institute of Human Genetics, Univ. Regensburg, Univ. Regensburg); PubMed 31953110 (cited by Institute of Human Genetics, Univ. Regensburg, Univ. Regensburg); PubMed 33090715 (cited by Institute of Human Genetics, Univ. Regensburg, Univ. Regensburg); PubMed 32141364 (cited by Institute of Human Genetics, Univ. Regensburg, Univ. Regensburg); PubMed 33781268 (cited by Institute of Human Genetics, Univ. Regensburg, Univ. Regensburg); PubMed 33576794 (cited by Institute of Human Genetics, Univ. Regensburg, Univ. Regensburg); PubMed 36464167 (cited by Institute of Human Genetics, Univ. Regensburg, Univ. Regensburg); PubMed 36460718 (cited by Institute of Human Genetics, Univ. Regensburg, Univ. Regensburg); PubMed 36276946 (cited by Institute of Human Genetics, Univ. Regensburg, Univ. Regensburg); PubMed 35432464 (cited by Institute of Human Genetics, Univ. Regensburg, Univ. Regensburg); PubMed 35806195 (cited by Institute of Human Genetics, Univ. Regensburg, Univ. Regensburg); PubMed 34985506 (cited by Institute of Human Genetics, Univ. Regensburg, Univ. Regensburg); PubMed 34906470 (cited by Broad Center for Mendelian Genomics, Broad Institute of MIT and Harvard); PubMed 28041643 (cited by Broad Center for Mendelian Genomics, Broad Institute of MIT and Harvard and NIHR Bioresource Rare Diseases, University of Cambridge); PubMed 32679846 (cited by Broad Center for Mendelian Genomics, Broad Institute of MIT and Harvard).